The following is an entry in ClinVar:

NM_001371986.1(UNC80):c.5467C>T (p.Pro1823Ser)

Gene: UNC80 (unc-80 subunit of NALCN channel complex; plus strand). Cytogenetic location: 2q34.
Variant type: single nucleotide variant.
Coding change: c.5467C>T on transcript NM_001371986.1 (MANE Select); coding-DNA position 5467, C replaced by T.
Protein change: p.Pro1823Ser; replaces proline 1823 with serine.
Molecular consequence: missense variant.
Genome position (GRCh38, 1-based): chr2:209,921,623, C>T. VCF-style: chr2-209921623-C-T. GRCh37 (hg19) VCF-style: chr2-210786347-C-T.
Other names: c.5269C>T, p.Pro1757Ser (NM_032504.2); c.5254C>T, p.Pro1752Ser (NM_182587.4); c.5269C>T (NM_032504.1); short protein forms P1752S, P1823S, P1757S.
Identifiers: ClinVar variation 1466166 (VCV001466166.8), dbSNP rs1023697059, ClinGen allele CA65040559.
Genomic context (GRCh38, chr2:209,921,623, plus strand): 5'-TTGCAGCAGGAGGAAGAAAAGAAACGACTTGGTAGAGAAGCCAGCCTCATCACTGCCATC[C>T]CCATCACCCAGGAGGCTTGCTATGAGCCCACATGCACGCCCAACTCAGAACCGGAAGAAG-3'
Protein context (NP_001358915.1, residues 1813-1833): GREASLITAI[Pro1823Ser]ITQEACYEPT

ClinVar aggregate classification (germline): Uncertain significance. Review status: criteria provided, multiple submitters, no conflicts (2 of 4 stars). 2 submissions from 2 submitters: Uncertain significance (2). Last evaluated 2025-08-05.

Conditions:
Inborn genetic diseases. Identifiers: MedGen C0950123, MeSH D030342.

Allele frequency attached by ClinVar (database versions not stated): TOPMed 0.00002; gnomAD exomes below 0.00001; gnomAD 0.00001.
gnomAD v4.1: 3 of 1,551,536 alleles (0.00019%); highest among the groups gnomAD compares: African/African-American, 0.0027%; no homozygotes.

Submissions (2):

Ambry Genetics
Classification: Uncertain significance for Inborn genetic diseases. Last evaluated: 2025-08-05. Review status: criteria provided, single submitter. Criteria: Ambry Variant Classification Scheme 2023. Collection method: clinical testing. Allele origin: germline.

Labcorp Genetics (formerly Invitae), Labcorp
Classification: Uncertain significance. Last evaluated: 2022-03-19. Review status: criteria provided, single submitter. Criteria: Invitae Variant Classification Sherloc (09022015). Collection method: clinical testing. Allele origin: germline.
Comment: This sequence change replaces proline, which is neutral and non-polar, with serine, which is neutral and polar, at codon 1757 of the UNC80 protein (p.Pro1757Ser). This variant is present in population databases (no rsID available, gnomAD 0.01%). This variant has not been reported in the literature in individuals affected with UNC80-related conditions. Algorithms developed to predict the effect of missense changes on protein structure and function are either unavailable or do not agree on the potential impact of this missense change (SIFT: "Not Available"; PolyPhen-2: "Probably Damaging"; Align-GVGD: "Not Available"). In summary, the available evidence is currently insufficient to determine the role of this variant in disease. Therefore, it has been classified as a Variant of Uncertain Significance.